The following is an entry in ClinVar:

NM_172250.3(MMAA):c.898_902del (p.Arg300fs)

Gene: MMAA (metabolism of cobalamin associated A; plus strand). Cytogenetic location: 4q31.21.
Variant type: Deletion.
Coding change: c.898_902del on transcript NM_172250.3 (MANE Select); coding-DNA positions 898 to 902, 5 bases deleted (CGAAG; older notation c.898_902delCGAAG).
Protein change: p.Arg300fs; shifts the reading frame from arginine 300.
Molecular consequence: frameshift variant.
Genome position (GRCh38, 1-based): chr4:145,654,072-145,654,076, CGAAG deleted. VCF-style (leftmost placement, unchanged base first): chr4-145654071-TCGAAG-T. GRCh37 (hg19) VCF-style: chr4-146575223-TCGAAG-T.
Other names: c.898_902del, p.Arg300fs (NM_001375644.1); short protein forms R300fs.
Identifiers: ClinVar variation 4816958 (VCV004816958.1).
Genomic context (GRCh38, chr4:145,654,071, plus strand): 5'-AATCGAGATGGCAGATCTGGTAGCTGTAACTAAATCTGATGGAGACTTGATTGTGCCAGC[TCGAAG>T]GATACAAGCGGAATATGTGAGTGCACTGAAATTACTCCGCAAACGTTCACAAGTCTGGAA-3'

ClinVar aggregate classification (germline): Likely pathogenic (1 of 4 stars; one submission).

Conditions:
Methylmalonic aciduria, cblA type (MACA). Also called: Methylmalonic aciduria, vitamin b12-responsive, due to defect in synthesis of adenosylcobalamin, cbla complementation type; MMA cbl A type; Methylmalonic acidemia cblA type; Vitamin B12-responsive methylmalonic acidemia type cblA; Methylmalonic aciduria, vitamin B12-responsive. Identifiers: Orphanet 28, Orphanet 79310, MedGen C1855109, MONDO:0009613, OMIM 251100.

Submission:

Natera, Inc.
Classification: Likely pathogenic for Methylmalonic aciduria cblA type. Last evaluated: 2024-07-24. Review status: criteria provided, single submitter. Criteria: Natera Variant Classification Schema (03/2026). Collection method: clinical testing. Allele origin: germline.
Comment: The c.898_902del variant in MMAA is a frameshift variant predicted to shift the reading frame beginning at codon 300 and leads to a stop codon 36 codons downstream. This variant is expected to result in nonsense mediated decay, truncation, or a dysfunctional protein product. This variant is rare in the general population with a frequency below the threshold expected for the associated phenotype(s). Given the available evidence, this variant is classified as Likely Pathogenic.